The following is an entry in ClinVar:

NM_006231.4(POLE):c.1410C>T (p.Tyr470=)

Gene: POLE (DNA polymerase epsilon, catalytic subunit; minus strand). Cytogenetic location: 12q24.33.
Variant type: single nucleotide variant.
Coding change: c.1410C>T on transcript NM_006231.4 (MANE Select); coding-DNA position 1410, C replaced by T.
Protein change: p.Tyr470=; no amino-acid change (tyrosine 470 retained).
Molecular consequence: synonymous variant.
Genome position (GRCh38, 1-based): chr12:132,673,227, G>A on the plus strand (C>T on the coding strand, the complement: POLE is on the minus strand). VCF-style: chr12-132673227-G-A. GRCh37 (hg19) VCF-style: chr12-133249813-G-A.
Other names: c.1410C>T (NM_006231.2).
Identifiers: ClinVar variation 753319 (VCV000753319.11), dbSNP rs1593072345, ClinGen allele CA482722685.
Genomic context (GRCh38, chr12:132,673,227, plus strand): 5'-GTCGGGCTCCATGGGAATAATGGTGCACAGAGCAAAGATGAATGGGTGGACGTACTTCAT[G>A]TACAGGTAGTAAGTGGCGACAGCATCTGACACAGAATACGTGGCCAGAGTCTGAGGAGAG-3'
Protein context (NP_006222.2, residues 460-480): VSDAVATYYL[Tyr470=]MKYVHPFIFA

ClinVar aggregate classification (germline): Benign/Likely benign. Review status: criteria provided, multiple submitters, no conflicts (2 of 4 stars). 3 submissions from 3 submitters: Benign (1); Likely benign (2). Last evaluated 2025-02-11.

Conditions:
Colorectal cancer, susceptibility to, 12 (CRCS12). Also called: COLORECTAL CANCER, SUSCEPTIBILITY TO, ON CHROMOSOME 12q24. Identifiers: Orphanet 220460, MedGen C3554460, MONDO:0014038, OMIM 615083.
Hereditary cancer-predisposing syndrome. Also called: Hereditary Cancer Syndrome; Hereditary neoplastic syndrome; Neoplastic Syndromes, Hereditary; Tumor predisposition. Identifiers: Orphanet 140162, MedGen C0027672, MeSH D009386, MONDO:0015356.

Submissions (3):

Myriad Genetics, Inc.
Classification: Benign for Colorectal cancer, susceptibility to, 12. Last evaluated: 2025-02-11. Review status: criteria provided, single submitter. Criteria: Myriad Autosomal Dominant, Autosomal Recessive and X-Linked Classification Criteria (2023). Collection method: clinical testing. Allele origin: unknown.
Comment: This variant is considered benign. This variant is a silent/synonymous amino acid change and it is not expected to impact splicing.

Ambry Genetics
Classification: Likely benign for Hereditary cancer-predisposing syndrome. Last evaluated: 2024-06-26. Review status: criteria provided, single submitter. Criteria: Ambry Variant Classification Scheme 2023. Collection method: clinical testing. Allele origin: germline.

Labcorp Genetics (formerly Invitae), Labcorp
Classification: Likely benign. Last evaluated: 2024-05-21. Review status: criteria provided, single submitter. Criteria: Invitae Variant Classification Sherloc (09022015). Collection method: clinical testing. Allele origin: germline.